The following is an entry in ClinVar:

ClinVar aggregate classification (germline): Uncertain significance. Review status: criteria provided, single submitter (1 of 4 stars). 2 submissions from 2 submitters: Uncertain significance (1). 1 of the submissions does not count toward it. Last evaluated 2024-03-25.

Conditions:
KAT2B-related disorder. Also called: KAT2B-related condition.

Allele frequency attached by ClinVar (database versions not stated): gnomAD 0.00098; TOPMed 0.00101.
gnomAD v4.1: 1,290 of 1,063,948 alleles (0.12%); highest among the groups gnomAD compares: Non-Finnish European, 0.14%; 1 homozygote.

Submissions (2):

Ambry Genetics
Classification: Uncertain significance. Last evaluated: 2024-03-25. Review status: criteria provided, single submitter. Criteria: Ambry Variant Classification Scheme 2023. Collection method: clinical testing. Allele origin: germline.

PreventionGenetics, part of Exact Sciences
Classification: Likely benign for KAT2B-related condition. Last evaluated: 2022-04-25. Review status: no assertion criteria provided. Collection method: clinical testing. Allele origin: germline. Not counted in ClinVar's aggregate classification.
Comment: This variant is classified as likely benign based on ACMG/AMP sequence variant interpretation guidelines (Richards et al. 2015 PMID: 25741868, with internal and published modifications).

NM_003884.5(KAT2B):c.80C>G (p.Pro27Arg)

Gene: KAT2B (lysine acetyltransferase 2B; plus strand). Cytogenetic location: 3p24.3.
Variant type: single nucleotide variant.
Coding change: c.80C>G on transcript NM_003884.5 (MANE Select); coding-DNA position 80, C replaced by G.
Protein change: p.Pro27Arg; replaces proline 27 with arginine.
Molecular consequence: missense variant.
Genome position (GRCh38, 1-based): chr3:20,040,557, C>G. VCF-style: chr3-20040557-C-G. GRCh37 (hg19) VCF-style: chr3-20082049-C-G.
Other names: short protein forms P27R.
Identifiers: ClinVar variation 2347855 (VCV002347855.4), dbSNP rs1227332251, ClinGen allele CA351858804.
Genomic context (GRCh38, chr3:20,040,557, plus strand): 5'-CCGGGCCGGGCGGCTGCGGGGCAGGAGCCGGGGCAGGGGCCGGGCCCGGGGCGCTGCCCC[C>G]GCAGCCTGCGGCGCTTCCGCCCGCGCCCCCGCAGGGCTCCCCCTGCGCCGCTGCCGCCGG-3'
Protein context (NP_003875.3, residues 17-37): GAGAGPGALP[Pro27Arg]QPAALPPAPP